The following is an entry in ClinVar:

NM_005585.5(SMAD6):c.193C>T (p.Pro65Ser)

Gene: SMAD6 (SMAD family member 6; plus strand). Cytogenetic location: 15q22.31.
Variant type: single nucleotide variant.
Coding change: c.193C>T on transcript NM_005585.5 (MANE Select); coding-DNA position 193, C replaced by T.
Protein change: p.Pro65Ser; replaces proline 65 with serine.
Molecular consequence: missense variant. On other transcripts: non-coding transcript variant (1).
Genome position (GRCh38, 1-based): chr15:66,703,451, C>T. VCF-style: chr15-66703451-C-T. GRCh37 (hg19) VCF-style: chr15-66995789-C-T.
Other names: short protein forms P65S.
Identifiers: ClinVar variation 3166242 (VCV003166242.5), dbSNP rs1476099931, ClinGen allele CA392948867.

ClinVar aggregate classification (germline): Conflicting classifications of pathogenicity. Review status: criteria provided, conflicting classifications (1 of 4 stars). 3 submissions from 3 submitters: Uncertain significance (2); Likely benign (1). Last evaluated 2025-12-11.

Conditions:
Inborn genetic diseases. Identifiers: MedGen C0950123, MeSH D030342.
Aortic valve disease 2 (AOVD2). Identifiers: MedGen C3542024, MONDO:0013902, OMIM 614823.

Allele frequency attached by ClinVar (database versions not stated): TOPMed below 0.00001.
gnomAD v4.1: 23 of 1,273,532 alleles (0.0018%); highest among the groups gnomAD compares: Non-Finnish European, 0.002%; no homozygotes.

Submissions (3):

Labcorp Genetics (formerly Invitae), Labcorp
Classification: Uncertain significance for Aortic valve disease 2. Last evaluated: 2025-12-11. Review status: criteria provided, single submitter. Criteria: Invitae Variant Classification Sherloc (09022015). Collection method: clinical testing. Allele origin: germline.
Comment: This sequence change replaces proline, which is neutral and non-polar, with serine, which is neutral and polar, at codon 65 of the SMAD6 protein (p.Pro65Ser). This variant is present in population databases (no rsID available, gnomAD 0.01%). This variant has not been reported in the literature in individuals affected with SMAD6-related conditions. ClinVar contains an entry for this variant (Variation ID: 3166242). An algorithm developed to predict the effect of missense changes on protein structure and function outputs the following: PolyPhen-2: "Benign". The serine amino acid residue is found in multiple mammalian species, which suggests that this missense change does not adversely affect protein function. In summary, the available evidence is currently insufficient to determine the role of this variant in disease. Therefore, it has been classified as a Variant of Uncertain Significance.

Ambry Genetics
Classification: Uncertain significance for Inborn genetic diseases. Last evaluated: 2024-08-19. Review status: criteria provided, single submitter. Criteria: Ambry Variant Classification Scheme 2023. Collection method: clinical testing. Allele origin: germline.
Comment: The p.P65S variant (also known as c.193C>T), located in coding exon 1 of the SMAD6 gene, results from a C to T substitution at nucleotide position 193. The proline at codon 65 is replaced by serine, an amino acid with similar properties. This amino acid position is conserved. In addition, this alteration is predicted to be tolerated by in silico analysis. Based on the available evidence, the clinical significance of this variant remains unclear.

Blueprint Genetics
Classification: Likely benign. Last evaluated: 2024-05-02. Review status: criteria provided, single submitter. Criteria: ACMG Guidelines, 2015. Collection method: clinical testing. Allele origin: germline.